The following is an entry in ClinVar:

NM_001853.4(COL9A3):c.1268G>A (p.Arg423Gln)

Gene: COL9A3 (collagen type IX alpha 3 chain; plus strand). Cytogenetic location: 20q13.33.
Variant type: single nucleotide variant.
Coding change: c.1268G>A on transcript NM_001853.4 (MANE Select); coding-DNA position 1268, G replaced by A.
Protein change: p.Arg423Gln; replaces arginine 423 with glutamine.
Molecular consequence: missense variant.
Genome position (GRCh38, 1-based): chr20:62,830,569, G>A. VCF-style: chr20-62830569-G-A. GRCh37 (hg19) VCF-style: chr20-61461921-G-A.
Other names: c.1268G>A (NM_001853.3); short protein forms R423Q.
Identifiers: ClinVar variation 1460526 (VCV001460526.8), dbSNP rs367582511, ClinGen allele CA9949856.

ClinVar aggregate classification (germline): Uncertain significance. Review status: criteria provided, multiple submitters, no conflicts (2 of 4 stars). 3 submissions from 3 submitters: Uncertain significance (3). Last evaluated 2025-10-24.

Conditions:
Inborn genetic diseases. Identifiers: MedGen C0950123, MeSH D030342.

Allele frequency attached by ClinVar (database versions not stated): gnomAD exomes 0.00001 and 0.00002; gnomAD 0.00002 and 0.00003; TOPMed 0.00002; ExAC 0.00004; ESP Exome Variant Server 0.00008; 1000 Genomes Project 30x 0.00016; 1000 Genomes Project 0.00020.
gnomAD v4.1: 23 of 1,603,778 alleles (0.0014%); highest among the groups gnomAD compares: Middle Eastern, 0.017%; no homozygotes.

Submissions (3):

Ambry Genetics
Classification: Uncertain significance for Inborn genetic diseases. Last evaluated: 2025-10-24. Review status: criteria provided, single submitter. Criteria: Ambry Variant Classification Scheme 2023. Collection method: clinical testing. Allele origin: germline.

Labcorp Genetics (formerly Invitae), Labcorp
Classification: Uncertain significance. Last evaluated: 2025-02-12. Review status: criteria provided, single submitter. Criteria: Invitae Variant Classification Sherloc (09022015). Collection method: clinical testing. Allele origin: germline.
Comment: This sequence change replaces arginine, which is basic and polar, with glutamine, which is neutral and polar, at codon 423 of the COL9A3 protein (p.Arg423Gln). This variant is present in population databases (rs367582511, gnomAD 0.004%). This variant has not been reported in the literature in individuals affected with COL9A3-related conditions. ClinVar contains an entry for this variant (Variation ID: 1460526). Invitae Evidence Modeling of protein sequence and biophysical properties (such as structural, functional, and spatial information, amino acid conservation, physicochemical variation, residue mobility, and thermodynamic stability) indicates that this missense variant is not expected to disrupt COL9A3 protein function with a negative predictive value of 95%. In summary, the available evidence is currently insufficient to determine the role of this variant in disease. Therefore, it has been classified as a Variant of Uncertain Significance.

GeneDx
Classification: Uncertain significance. Last evaluated: 2024-04-01. Review status: criteria provided, single submitter. Criteria: GeneDx Variant Classification Process June 2021. Collection method: clinical testing. Allele origin: germline. Affected: yes.
Comment: Not observed at significant frequency in large population cohorts (gnomAD); In silico analysis supports that this missense variant does not alter protein structure/function; Has not been previously published as pathogenic or benign to our knowledge